The following is an entry in ClinVar:

ClinVar aggregate classification (germline): Likely pathogenic (1 of 4 stars; one submission).

Conditions:
Alport syndrome. Also called: Hemorrhagic familial nephritis; Hemorrhagic hereditary nephritis; Congenital hereditary hematuria. Identifiers: Orphanet 63, MedGen C1567741, MONDO:0018965.

Submission:

Natera, Inc.
Classification: Likely pathogenic for Alport syndrome. Last evaluated: 2025-08-26. Review status: criteria provided, single submitter. Criteria: Natera Variant Classification Schema (03/2026). Collection method: clinical testing. Allele origin: germline.
Comment: The c.601G>A variant in COL4A3 is a missense variant predicted to cause substitution of glycine to arginine at amino acid 201. This variant is rare in the general population with a frequency below the threshold expected for the associated phenotype(s). This variant is located in a functionally critical region of the protein. Computational prediction algorithms indicate this variant is likely to affect gene or protein function. Given the available evidence, this variant is classified as Likely Pathogenic.

NM_000091.5(COL4A3):c.601G>A (p.Gly201Arg)

Genes: MFF-DT (MFF divergent transcript; minus strand), COL4A3 (collagen type IV alpha 3 chain; plus strand). Cytogenetic location: 2q36.3.
Variant type: single nucleotide variant.
Coding change: c.601G>A on transcript NM_000091.5 (MANE Select); coding-DNA position 601, G replaced by A.
Protein change: p.Gly201Arg; replaces glycine 201 with arginine.
Molecular consequence: missense variant.
Genome position (GRCh38, 1-based): chr2:227,251,194, G>A. VCF-style: chr2-227251194-G-A. GRCh37 (hg19) VCF-style: chr2-228115910-G-A.
Other names: short protein forms G201R.
Identifiers: ClinVar variation 4817270 (VCV004817270.1).